The following is an entry in ClinVar:

NM_001378609.3(OTOGL):c.1077C>T (p.Cys359=)

Gene: OTOGL (otogelin like; plus strand). Cytogenetic location: 12q21.31.
Variant type: single nucleotide variant.
Coding change: c.1077C>T on transcript NM_001378609.3 (MANE Select); coding-DNA position 1077, C replaced by T.
Protein change: p.Cys359=; no amino-acid change (cysteine 359 retained).
Molecular consequence: synonymous variant.
Genome position (GRCh38, 1-based): chr12:80,251,717, C>T. VCF-style: chr12-80251717-C-T. GRCh37 (hg19) VCF-style: chr12-80645497-C-T.
Other names: c.1077C>T, p.Cys359= (NM_001368062.3, NM_001378610.3, NM_173591.7).
Identifiers: ClinVar variation 227809 (VCV000227809.5), dbSNP rs876657559, ClinGen allele CA10576929.

ClinVar aggregate classification (germline): Likely benign (1 of 4 stars; one submission).

Allele frequency attached by ClinVar (database versions not stated): gnomAD exomes 0.00001.
gnomAD v4.1: 16 of 1,591,452 alleles (0.001%); highest among the groups gnomAD compares: Non-Finnish European, 0.0014%; no homozygotes.

Submission:

Laboratory for Molecular Medicine, Mass General Brigham Personalized Medicine
Classification: Likely benign. Last evaluated: 2015-11-25. Review status: criteria provided, single submitter. Criteria: LMM Criteria. Collection method: clinical testing. Allele origin: germline. Observed: 1 variant allele.
Comment: p.Cys350Cys in exon 11 of OTOGL: This variant is not expected to have clinical s ignificance because it does not alter an amino acid residue and is not located w ithin the splice consensus sequence